The following is an entry in ClinVar:

ClinVar aggregate classification (germline): Uncertain significance. Review status: criteria provided, multiple submitters, no conflicts (2 of 4 stars). 2 submissions from 2 submitters: Uncertain significance (2). Last evaluated 2024-06-25.

Conditions:
Autosomal dominant nonsyndromic hearing loss 11. Identifiers: Orphanet 90635, MedGen C1832475, MONDO:0011032, OMIM 601317.

Allele frequency attached by ClinVar (database versions not stated): TOPMed below 0.00001; gnomAD 0.00001.
gnomAD v4.1: 4 of 1,613,826 alleles (0.00025%); highest among the groups gnomAD compares: South Asian, 0.0044%; no homozygotes.

Submissions (2):

Labcorp Genetics (formerly Invitae), Labcorp
Classification: Uncertain significance. Last evaluated: 2024-06-25. Review status: criteria provided, single submitter. Criteria: Invitae Variant Classification Sherloc (09022015). Collection method: clinical testing. Allele origin: germline.
Comment: This sequence change replaces serine, which is neutral and polar, with cysteine, which is neutral and slightly polar, at codon 1196 of the MYO7A protein (p.Ser1196Cys). This variant is present in population databases (no rsID available, gnomAD 0.006%). This variant has not been reported in the literature in individuals affected with MYO7A-related conditions. Advanced modeling of protein sequence and biophysical properties (such as structural, functional, and spatial information, amino acid conservation, physicochemical variation, residue mobility, and thermodynamic stability) performed at Invitae indicates that this missense variant is expected to disrupt MYO7A protein function with a positive predictive value of 95%. In summary, the available evidence is currently insufficient to determine the role of this variant in disease. Therefore, it has been classified as a Variant of Uncertain Significance.

Institute of Human Genetics, University Hospital of Duesseldorf
Classification: Uncertain significance for Autosomal dominant nonsyndromic hearing loss 11. Review status: criteria provided, single submitter. Criteria: ACMG Guidelines, 2015. Collection method: not provided. Allele origin: germline. Inheritance: Autosomal dominant inheritance. Affected: yes.

NM_000260.4(MYO7A):c.3587C>G (p.Ser1196Cys)

Gene: MYO7A (myosin VIIA; plus strand). Cytogenetic location: 11q13.5.
Variant type: single nucleotide variant.
Coding change: c.3587C>G on transcript NM_000260.4 (MANE Select); coding-DNA position 3587, C replaced by G.
Protein change: p.Ser1196Cys; replaces serine 1196 with cysteine.
Molecular consequence: missense variant.
Genome position (GRCh38, 1-based): chr11:77,189,427, C>G. VCF-style: chr11-77189427-C-G. GRCh37 (hg19) VCF-style: chr11-76900472-C-G.
Other names: c.3587C>G, p.Ser1196Cys (NM_001127180.2); c.3554C>G, p.Ser1185Cys (NM_001369365.1); short protein forms S1185C, S1196C.
Identifiers: ClinVar variation 3233328 (VCV003233328.3), dbSNP rs1555090376, ClinGen allele CA381947000.
Genomic context (GRCh38, chr11:77,189,427, plus strand): 5'-GCAAGCAGCTGACCCACAACCCCTCCAAGAGCAGCTATGCCCGGGGCTGGATTCTCGTGT[C>G]TCTCTGCGTGGGCTGTTTCGCCCCCTCCGAGAAGTTTGTCAAGGTAGGAAGGTGCCTGGC-3'
Protein context (NP_000251.3, residues 1186-1206): SSYARGWILV[Ser1196Cys]LCVGCFAPSE